The following is an entry in ClinVar:

NM_013975.4(LIG3):c.1209-2A>G

Gene: LIG3 (DNA ligase 3; plus strand). Cytogenetic location: 17q12.
Variant type: single nucleotide variant.
Coding change: c.1209-2A>G on transcript NM_013975.4 (MANE Select); the canonical splice acceptor site of the intron before coding-DNA position 1209, A replaced by G.
Molecular consequence: splice acceptor variant.
Genome position (GRCh38, 1-based): chr17:34,991,956, A>G. VCF-style: chr17-34991956-A-G. GRCh37 (hg19) VCF-style: chr17-33318975-A-G.
Other names: c.1209-2A>G (NM_002311.5).
Identifiers: ClinVar variation 3770193 (VCV003770193.3).

ClinVar aggregate classification (germline): Pathogenic/Likely pathogenic. Review status: criteria provided, multiple submitters, no conflicts (2 of 4 stars). 2 submissions from 2 submitters: Pathogenic (1); Likely pathogenic (1). Last evaluated 2024-11-27.

Conditions:
Mitochondrial DNA depletion syndrome 20 (mngie type). Also called: MITOCHONDRIAL NEUROGASTROINTESTINAL ENCEPHALOMYOPATHY SYNDROME, LIG3-RELATED. Identifiers: MedGen C5676934, MONDO:0030696, OMIM 619780.

gnomAD v4.1: 21 of 1,613,994 alleles (0.0013%); highest among the groups gnomAD compares: Non-Finnish European, 0.0018%; no homozygotes.

Submissions (2):

Undiagnosed Diseases Network, NIH
Classification: Pathogenic for Mitochondrial DNA depletion syndrome 20 (mngie type). Last evaluated: 2024-11-27. Review status: criteria provided, single submitter. Criteria: ACMG Guidelines, 2015. Collection method: clinical testing. Allele origin: maternal. Inheritance: Autosomal recessive inheritance. Affected: yes. Observed: 1 compound heterozygote. Study: Undiagnosed Diseases Network (NIH), UDN.

GeneDx
Classification: Likely pathogenic. Last evaluated: 2024-10-08. Review status: criteria provided, single submitter. Criteria: GeneDx Variant Classification Process June 2021. Collection method: clinical testing. Allele origin: germline. Affected: yes.
Comment: Canonical splice site variant predicted to result in an in-frame loss of the adjacent exon in a gene for which loss of function is a known mechanism of disease; Not observed at significant frequency in large population cohorts (gnomAD); Has not been previously published as pathogenic or benign to our knowledge